The following is an entry in ClinVar:

ClinVar aggregate classification (germline): Conflicting classifications of pathogenicity. Review status: criteria provided, conflicting classifications (1 of 4 stars). 10 submissions from 10 submitters: Uncertain significance (7); Likely benign (1). 2 of the submissions do not count toward it. Last evaluated 2026-05-15.

Conditions:
Familial cancer of breast. Also called: Hereditary breast cancer; BREAST CANCER, FAMILIAL; hereditary breast carcinoma. Identifiers: Orphanet 227535, MedGen C0346153, MONDO:0016419, OMIM 114480. Disease mechanism: loss of function.
Hereditary breast ovarian cancer syndrome. Also called: Breast and ovarian cancer; Hereditary breast and ovarian cancer syndrome (HBOC); Hereditary breast and/or ovarian cancer syndrome; Hereditary breast and ovarian cancer syndrome; Hereditary breast and ovarian cancer; BRCA1- and BRCA2-Associated Hereditary Breast and Ovarian Cancer. Identifiers: Orphanet 145, MedGen C0677776, MeSH D061325, MONDO:0003582. Disease mechanism: loss of function.
Breast-ovarian cancer, familial, susceptibility to, 2 (BROVCA2). Also called: BRCA2 Hereditary Breast and Ovarian Cancer. Identifiers: Orphanet 145, MedGen C2675520, MONDO:0012933, OMIM 612555. Disease mechanism: loss of function.
Hereditary cancer-predisposing syndrome. Also called: Tumor predisposition; Hereditary Cancer Syndrome; Neoplastic Syndromes, Hereditary; Hereditary neoplastic syndrome. Identifiers: Orphanet 140162, MedGen C0027672, MeSH D009386, MONDO:0015356.

Allele frequency attached by ClinVar (database versions not stated): gnomAD exomes below 0.00001; TOPMed 0.00001.
gnomAD v4.1: 4 of 1,523,930 alleles (0.00026%); highest among the groups gnomAD compares: African/African-American, 0.0027%; no homozygotes.

Submissions (10):

Women's Health and Genetics/Laboratory Corporation of America, LabCorp
Classification: Uncertain significance. Last evaluated: 2026-05-15. Review status: criteria provided, single submitter. Criteria: LabCorp Variant Classification Summary - May 2015. Collection method: clinical testing. Allele origin: germline.
Comment: Variant summary: BRCA2 c.425+3A>G alters a nucleotide located close to a canonical splice site and therefore could affect mRNA splicing, leading to a significantly altered protein sequence. Several computational tools predict a significant impact on normal splicing: Two predict the variant abolishes a 5' splicing donor site. Two predict the variant weakens a 5' donor site. However, these predictions have yet to be confirmed by functional studies. The variant was absent in 246764 control chromosomes. The available data on variant occurrences in the general population are insufficient to allow any conclusion about variant significance. c.425+3A>G has been observed in an individual affected with BRCA2-related conditions without strong evidence of causality (Tung_2014). These report(s) do not provide unequivocal conclusions about association of the variant with disease. To our knowledge, no experimental evidence demonstrating an impact on protein function has been reported. The following publication have been ascertained in the context of this evaluation (PMID: 25186627). ClinVar contains an entry for this variant (Variation ID: 495460). Based on the evidence outlined above, the variant was classified as uncertain significance.

Labcorp Genetics (formerly Invitae), Labcorp
Classification: Uncertain significance for Hereditary breast ovarian cancer syndrome. Last evaluated: 2025-07-21. Review status: criteria provided, single submitter. Criteria: Invitae Variant Classification Sherloc (09022015). Collection method: clinical testing. Allele origin: germline.
Comment: This sequence change falls in intron 4 of the BRCA2 gene. It does not directly change the encoded amino acid sequence of the BRCA2 protein. It affects a nucleotide within the consensus splice site. This variant is not present in population databases (gnomAD no frequency). This variant has been observed in individual(s) with breast cancer (PMID: 25186627). ClinVar contains an entry for this variant (Variation ID: 495460). Variants that disrupt the consensus splice site are a relatively common cause of aberrant splicing (PMID: 17576681, 9536098). Algorithms developed to predict the effect of sequence changes on RNA splicing suggest that this variant may disrupt the consensus splice site. In summary, the available evidence is currently insufficient to determine the role of this variant in disease. Therefore, it has been classified as a Variant of Uncertain Significance.

Ambry Genetics
Classification: Uncertain significance for Hereditary cancer-predisposing syndrome. Last evaluated: 2025-07-17. Review status: criteria provided, single submitter. Criteria: Ambry Variant Classification Scheme 2023. Collection method: clinical testing. Allele origin: germline.
Comment: The c.425+3A>G intronic variant results from an A to G substitution 3 nucleotides after coding exon 3 in the BRCA2 gene. This nucleotide position is highly conserved in available vertebrate species. In silico splice site analysis predicts that this alteration will weaken the native splice donor site. RNA studies have demonstrated that this alteration results in abnormal splicing in the set of samples tested (Ambry internal data). RNA studies of a close-match alteration, BRCA2 c.425G>T, have demonstrated that it results in complete abnormal splicing in the set of samples tested (Ambry internal data; Brand&atilde;o R et al. Breast Cancer Res. Treat. 2011 Oct;129(3):971-82; Nix P et al. Fam Cancer, 2021 Jan). BRCA2 c.425G>T, which has the same splicing profile as this alteration (Ambry internal data), was able to rescue the growth defect in BRCA2-null mouse embryonic stem cells and these surviving cells maintained partial activity in a homology directed DNA repair functional assay (Mesman R et al. Genet Med 2020 Aug;22(8):1355-1365). BRCA2 c.425G>T was also identified in patients who collectively have a phenotype that is not consistent with a high risk BRCA2 pathogenic variant (Nix P et al. Fam Cancer, 2021 Jan). Based on the available evidence, the clinical significance of this variant remains unclear.

Color Diagnostics, LLC DBA Color Health
Classification: Uncertain significance for Hereditary cancer-predisposing syndrome. Last evaluated: 2025-07-03. Review status: criteria provided, single submitter. Criteria: ACMG Guidelines, 2015. Collection method: clinical testing. Allele origin: germline.
Comment: This variant causes an A to G nucleotide substitution at the +3 position of intron 4 of the BRCA2 gene. Splicing prediction tools suggest an impact on the intron 4 splice donor site (PMID: 30661751, 35449021). To our knowledge, the splicing impact for this variant has not been published in the literature, but it has been described to disrupt splicing in ClinVar (accession SCV001183840.3). A different variant c.425G>T also predicted to deleterious impact intron 4 donor site splicing has been shown to cause both out-of-frame exon 4 skipping and in-frame exons 4-7 skipping, the latter of which is believe to retain partial activity in a homology-directed DNA repair assay (PMID: 21638052, 32398771). This variant has been reported in five individuals affected with breast cancer (PMID: 25186627, 21638052). This variant has not been identified in the general population by the Genome Aggregation Database (gnomAD). The available evidence is insufficient to determine the role of this variant in disease conclusively. Therefore, this variant is classified as a Variant of Uncertain Significance.

Myriad Genetics, Inc.
Classification: Likely benign for Breast-ovarian cancer, familial, susceptibility to, 2. Last evaluated: 2025-04-11. Review status: criteria provided, single submitter. Criteria: Myriad Autosomal Dominant, Autosomal Recessive and X-Linked Classification Criteria (2023). Collection method: clinical testing. Allele origin: unknown.
Comment: This variant is considered likely benign. This variant is intronic and is not expected to impact mRNA splicing. This variant is strongly associated with less severe personal and family histories of cancer, typical for individuals without pathogenic variants in this gene [PMID: 25085752].

Quest Diagnostics Nichols Institute San Juan Capistrano
Classification: Uncertain significance. Last evaluated: 2024-10-14. Review status: criteria provided, single submitter. Criteria: Quest Diagnostics criteria. Collection method: clinical testing. Allele origin: unknown.
Comment: The BRCA2 c.425+3A>G variant has been reported in the published literature in an individual with breast cancer (PMID: 25186627 (2015)). This variant has not been reported in large, multi-ethnic general populations (Genome Aggregation Database). Analysis of this variant using software algorithms for the prediction of the effect of nucleotide changes on splicing yielded predictions that this variant may affect proper BRCA2 mRNA splicing. Based on the available information, we are unable to determine the clinical significance of this variant.

Department of Pathology and Laboratory Medicine, Sinai Health System
Classification: Uncertain significance for Familial cancer of breast; Breast-ovarian cancer, familial, susceptibility to, 2. Last evaluated: 2024-03-27. Review status: criteria provided, single submitter. Criteria: ACMG Guidelines, 2015. Collection method: clinical testing. Allele origin: germline. Affected: yes.

Baylor Genetics
Classification: Uncertain significance for Familial cancer of breast. Last evaluated: 2023-08-15. Review status: criteria provided, single submitter. Criteria: ACMG Guidelines, 2015. Collection method: clinical testing. Allele origin: unknown.

Diagnostic Laboratory, Department of Genetics, University Medical Center Groningen
Classification: Uncertain significance. Review status: no assertion criteria provided. Collection method: clinical testing. Allele origin: germline. Affected: yes. Study: VKGL Data-share Consensus. Not counted in ClinVar's aggregate classification.

Joint Genome Diagnostic Labs from Nijmegen and Maastricht, Radboudumc and MUMC+
Classification: Uncertain significance. Review status: no assertion criteria provided. Collection method: clinical testing. Allele origin: germline. Affected: yes. Study: VKGL Data-share Consensus. Not counted in ClinVar's aggregate classification.

Literature cited by the submitters: PubMed 25186627 (cited by 4 submitters); PubMed 17576681 (cited by Labcorp Genetics (formerly Invitae), Labcorp); PubMed 9536098 (cited by Labcorp Genetics (formerly Invitae), Labcorp); PubMed 21638052 (cited by Ambry Genetics and Color Diagnostics, LLC DBA Color Health); PubMed 32398771 (cited by Ambry Genetics and Color Diagnostics, LLC DBA Color Health); PubMed 30661751 (cited by Color Diagnostics, LLC DBA Color Health); PubMed 35449021 (cited by Color Diagnostics, LLC DBA Color Health); PubMed 25085752 (cited by Myriad Genetics, Inc.); PubMed 37231433 (cited by Quest Diagnostics Nichols Institute San Juan Capistrano).

NM_000059.4(BRCA2):c.425+3A>G

Gene: BRCA2 (BRCA2 DNA repair associated; plus strand). Cytogenetic location: 13q13.1.
Variant type: single nucleotide variant.
Coding change: c.425+3A>G on transcript NM_000059.4 (MANE Select); 3 bases into the intron after coding-DNA position 425, A replaced by G.
Molecular consequence: intron variant.
Genome position (GRCh38, 1-based): chr13:32,325,187, A>G. VCF-style: chr13-32325187-A-G. GRCh37 (hg19) VCF-style: chr13-32899324-A-G.
Identifiers: ClinVar variation 495460 (VCV000495460.24), dbSNP rs932657676, ClinGen allele CA247487353.